The following is an entry in ClinVar:

NM_001199753.2(CPT1C):c.605C>T (p.Thr202Ile)

Gene: CPT1C (carnitine palmitoyltransferase 1C; plus strand). Cytogenetic location: 19q13.33.
Variant type: single nucleotide variant.
Coding change: c.605C>T on transcript NM_001199753.2 (MANE Select); coding-DNA position 605, C replaced by T.
Protein change: p.Thr202Ile; replaces threonine 202 with isoleucine.
Molecular consequence: missense variant. On other transcripts: non-coding transcript variant (1).
Genome position (GRCh38, 1-based): chr19:49,701,546, C>T. VCF-style: chr19-49701546-C-T. GRCh37 (hg19) VCF-style: chr19-50204803-C-T.
Other names: c.605C>T, p.Thr202Ile (NM_001136052.3, NM_001199752.3, NM_001378482.1 and 7 more transcripts); short protein forms T202I.
Identifiers: ClinVar variation 3647056 (VCV003647056.2).

ClinVar aggregate classification (germline): Uncertain significance (1 of 4 stars; one submission).

Conditions:
Hereditary spastic paraplegia 73. Also called: Spastic paraplegia 73, autosomal dominant. Identifiers: Orphanet 444099, MedGen C5568981, MONDO:0014568, OMIM 616282.

gnomAD v4.1: 7 of 1,612,338 alleles (0.00043%); highest among the groups gnomAD compares: African/African-American, 0.0094%; no homozygotes.

Submission:

Labcorp Genetics (formerly Invitae), Labcorp
Classification: Uncertain significance for Hereditary spastic paraplegia 73. Last evaluated: 2024-08-19. Review status: criteria provided, single submitter. Criteria: Invitae Variant Classification Sherloc (09022015). Collection method: clinical testing. Allele origin: germline.
Comment: This sequence change replaces threonine, which is neutral and polar, with isoleucine, which is neutral and non-polar, at codon 202 of the CPT1C protein (p.Thr202Ile). The frequency data for this variant in the population databases is considered unreliable, as metrics indicate poor data quality at this position in the gnomAD database. This variant has not been reported in the literature in individuals affected with CPT1C-related conditions. Invitae Evidence Modeling of protein sequence and biophysical properties (such as structural, functional, and spatial information, amino acid conservation, physicochemical variation, residue mobility, and thermodynamic stability) indicates that this missense variant is not expected to disrupt CPT1C protein function with a negative predictive value of 80%. In summary, the available evidence is currently insufficient to determine the role of this variant in disease. Therefore, it has been classified as a Variant of Uncertain Significance.